The following is an entry in ClinVar:

NM_001378454.1(ALMS1):c.11446C>T (p.Gln3816Ter)

Gene: ALMS1 (ALMS1 centrosome and basal body associated protein; plus strand). Cytogenetic location: 2p13.1.
Variant type: single nucleotide variant.
Coding change: c.11446C>T on transcript NM_001378454.1 (MANE Select); coding-DNA position 11446, C replaced by T.
Protein change: p.Gln3816Ter; replaces glutamine 3816 with a stop codon.
Molecular consequence: nonsense.
Genome position (GRCh38, 1-based): chr2:73,573,323, C>T. VCF-style: chr2-73573323-C-T. GRCh37 (hg19) VCF-style: chr2-73800450-C-T.
Other names: c.11449C>T, p.Gln3817Ter (NM_015120.4); short protein forms Q3817*, Q3816*.
Identifiers: ClinVar variation 620477 (VCV000620477.18), dbSNP rs940576720, ClinGen allele CA50387091.

ClinVar aggregate classification (germline): Pathogenic. Review status: criteria provided, multiple submitters, no conflicts (2 of 4 stars). 6 submissions from 6 submitters: Pathogenic (6). Last evaluated 2025-07-28.

Conditions:
ALMS1-related disorder. Also called: ALMS1-related condition.
Cardiovascular phenotype. Identifiers: MedGen CN230736.
Alstrom syndrome (ALMS). Identifiers: Orphanet 64, MedGen C0268425, MONDO:0008763, OMIM 203800.

Allele frequency attached by ClinVar (database versions not stated): TOPMed below 0.00001; gnomAD exomes 0.00001 and 0.00005.
gnomAD v4.1: 68 of 1,614,102 alleles (0.0042%); highest among the groups gnomAD compares: Non-Finnish European, 0.0055%; no homozygotes.

Submissions (6):

Labcorp Genetics (formerly Invitae), Labcorp
Classification: Pathogenic for Alstrom syndrome. Last evaluated: 2025-07-28. Review status: criteria provided, single submitter. Criteria: Invitae Variant Classification Sherloc (09022015). Collection method: clinical testing. Allele origin: germline.
Comment: This sequence change creates a premature translational stop signal (p.Gln3817*) in the ALMS1 gene. It is expected to result in an absent or disrupted protein product. Loss-of-function variants in ALMS1 are known to be pathogenic (PMID: 17594715). This variant is present in population databases (no rsID available, gnomAD 0.003%). This premature translational stop signal has been observed in individuals with Alström syndrome (PMID: 11941369, 18038714). ClinVar contains an entry for this variant (Variation ID: 620477). Algorithms developed to predict the effect of sequence changes on RNA splicing suggest that this variant may disrupt the consensus splice site. For these reasons, this variant has been classified as Pathogenic.

Natera, Inc.
Classification: Pathogenic for Alstrom syndrome. Last evaluated: 2025-05-21. Review status: criteria provided, single submitter. Criteria: Natera Variant Classification Schema (03/2026). Collection method: clinical testing. Allele origin: germline.
Comment: The c.11449C>T variant in ALMS1 is a nonsense variant predicted to introduce a stop codon at amino acid 3817. This variant is expected to result in nonsense mediated decay, truncation, or a dysfunctional protein product. This variant is rare in the general population with a frequency below the threshold expected for the associated phenotype(s). This variant has been observed in one or more individuals affected with the associated recessive disease, as either homozygous or compound heterozygous with a second variant (PMID: 38806112). Given the available evidence, this variant is classified as Pathogenic.

Dasa
Classification: Pathogenic. Last evaluated: 2025-01-23. Review status: criteria provided, single submitter. Criteria: DASA Assertion Criteria. Collection method: clinical testing. Allele origin: germline.
Comment: NM_001378454.1(ALMS1):c.11446C>T (p.Gln3816*) introduces a premature termination codon predicted to result in loss of normal protein function. Loss-of-function is an established mechanism of disease for this gene. This variant has been observed in affected individuals with related phenotype in a genotype context consistent with recessive disease. The variant is present at low frequency in population datasets. Based on the available data, this variant is classified as pathogenic.

Blueprint Genetics
Classification: Pathogenic for ALMS1-related disorders. Last evaluated: 2024-03-27. Review status: criteria provided, single submitter. Criteria: ACMG Guidelines, 2015. Collection method: clinical testing. Allele origin: germline. Affected: yes. Observed: 2 variant alleles.

GeneDx
Classification: Pathogenic. Last evaluated: 2022-08-11. Review status: criteria provided, single submitter. Criteria: GeneDx Variant Classification Process June 2021. Collection method: clinical testing. Allele origin: germline. Affected: yes.
Comment: Nonsense variant predicted to result in protein truncation or nonsense mediated decay in a gene for which loss-of-function is a known mechanism of disease; Not observed at significant frequency in large population cohorts (gnomAD); This variant is associated with the following publications: (PMID: 16720663, 25846608, 21157496, 22043170, 18038714, 34426522, 11941369, 25296579, 28432734)

Ambry Genetics
Classification: Pathogenic for Cardiovascular phenotype. Last evaluated: 2022-06-14. Review status: criteria provided, single submitter. Criteria: Ambry Variant Classification Scheme 2023. Collection method: clinical testing. Allele origin: germline.
Comment: The p.Q3817* pathogenic mutation (also known as c.11449C>T), located in coding exon 16 of the ALMS1 gene, results from a C to T substitution at nucleotide position 11449. This changes the amino acid from a glutamine to a stop codon within coding exon 16. This alteration has been detected in the homozygous and compound heterozygous states with other ALMS1 alterations in several individuals reported to have Alstrom syndrome (Collin GB et al. Nat Genet, 2002 May;31:74-8; Sinha SK et al. J Pediatr Endocrinol Metab, 2007 Sep;20:1045-52; Marshall JD et al. Hum Mutat, 2007 Nov;28:1114-23; Pereiro I et al. Eur J Hum Genet, 2011 Apr;19:485-8; Astuti D et al. Hum Mutat, 2017 07;38:764-777). This variant is considered to be rare based on population cohorts in the Genome Aggregation Database (gnomAD). In addition to the clinical data presented in the literature, this alteration is expected to result in loss of function by premature protein truncation or nonsense-mediated mRNA decay. As such, this alteration is interpreted as a disease-causing mutation.

Literature cited by the submitters: PubMed 17594715 (cited by Labcorp Genetics (formerly Invitae), Labcorp and Ambry Genetics); PubMed 11941369 (cited by Labcorp Genetics (formerly Invitae), Labcorp and Ambry Genetics); PubMed 18038714 (cited by Labcorp Genetics (formerly Invitae), Labcorp and Ambry Genetics); PubMed 38806112 (cited by Natera, Inc.); PubMed 16720663 (cited by Ambry Genetics); PubMed 21157496 (cited by Ambry Genetics); PubMed 28432734 (cited by Ambry Genetics).